The following is an entry in ClinVar:

NM_001845.6(COL4A1):c.1111G>A (p.Gly371Arg)

Gene: COL4A1 (collagen type IV alpha 1 chain; minus strand). Cytogenetic location: 13q34.
Variant type: single nucleotide variant.
Coding change: c.1111G>A on transcript NM_001845.6 (MANE Select); coding-DNA position 1111, G replaced by A.
Protein change: p.Gly371Arg; replaces glycine 371 with arginine.
Molecular consequence: missense variant.
Genome position (GRCh38, 1-based): chr13:110,200,863, C>T on the plus strand (G>A on the coding strand, the complement: COL4A1 is on the minus strand). VCF-style: chr13-110200863-C-T. GRCh37 (hg19) VCF-style: chr13-110853210-C-T.
Other names: c.1111G>A, p.Gly371Arg (NM_001303110.2); short protein forms G371R.
Identifiers: ClinVar variation 3236821 (VCV003236821.4), dbSNP rs1386813633.

ClinVar aggregate classification (germline): Conflicting classifications of pathogenicity. Review status: criteria provided, conflicting classifications (1 of 4 stars). 3 submissions from 3 submitters: Pathogenic (1); Likely pathogenic (1); Uncertain significance (1). Last evaluated 2025-08-12.

Conditions:
Autosomal dominant COL4A1-related disorders.
Autosomal dominant familial hematuria-retinal arteriolar tortuosity-contractures syndrome. Also called: Angiopathy, hereditary, with nephropathy, aneurysms, and muscle cramps; Hereditary Angiopathy with Nephropathy, Aneurysms, and Muscle Cramps (HANAC) Syndrome. Identifiers: Orphanet 73229, MedGen C2673195, MONDO:0012726, OMIM 611773.

Submissions (3):

Variantyx, Inc.
Classification: Pathogenic for Autosomal dominant COL4A1-related disorders. Last evaluated: 2025-08-12. Review status: criteria provided, single submitter. Criteria: Variantyx Assertion Criteria 2022. Collection method: clinical testing. Allele origin: germline. Inheritance: Autosomal dominant inheritance. Affected: yes.
Comment: This is a nonsynonymous variant in the COL4A1 gene (OMIM: 120130). Pathogenic variants in this gene have been associated with autosomal dominant COL4A1-related disorders. This variant lies within a known hotspot for pathogenic variants or a well-established critical functional domain of the COL4A1 protein (PMID: 28098982) (PM1_Strong) and multiple computational algorithms predict a deleterious effect for this variant (REVEL score: 0.979) (PP3_Strong). This variant has a 0.0001% maximum allele frequency in non-founder control populations (PM2). Based on the current evidence, this variant is classified as pathogenic for autosomal dominant COL4A1-related disorders.

Labcorp Genetics (formerly Invitae), Labcorp
Classification: Likely pathogenic. Last evaluated: 2025-03-07. Review status: criteria provided, single submitter. Criteria: Invitae Variant Classification Sherloc (09022015). Collection method: clinical testing. Allele origin: germline.
Comment: This sequence change replaces glycine, which is neutral and non-polar, with arginine, which is basic and polar, at codon 371 of the COL4A1 protein (p.Gly371Arg). This variant is present in population databases (no rsID available, gnomAD 0.006%). This variant has not been reported in the literature in individuals affected with COL4A1-related conditions. ClinVar contains an entry for this variant (Variation ID: 3236821). Invitae Evidence Modeling of protein sequence and biophysical properties (such as structural, functional, and spatial information, amino acid conservation, physicochemical variation, residue mobility, and thermodynamic stability) indicates that this missense variant is expected to disrupt COL4A1 protein function with a positive predictive value of 95%. This variant disrupts the triple helix domain of COL4A1. Glycine residues within the Gly-Xaa-Yaa repeats of the triple helix domain are required for the structure and stability of fibrillar collagens (PMID: 7695699, 8218237, 19344236). In COL4A1 variants affecting these glycine residues are significantly enriched in individuals with disease (PMID: 9016532, 17078022) compared to the general population (ExAC). In summary, the currently available evidence indicates that the variant is pathogenic, but additional data are needed to prove that conclusively. Therefore, this variant has been classified as Likely Pathogenic.

MVZ Medizinische Genetik Mainz
Classification: Uncertain significance for Autosomal dominant familial hematuria-retinal arteriolar tortuosity-contractures syndrome. Last evaluated: 2023-12-20. Review status: criteria provided, single submitter. Criteria: UK Practice Guidelines For Variant Classification V4 01 2020. Collection method: clinical testing. Allele origin: germline. Inheritance: Autosomal dominant inheritance. Affected: yes. Observed: 1 variant allele.
Comment: ACMG Criteria: PM1_STR,PM2_SUP

Literature cited by the submitters: PubMed 28098982 (cited by Variantyx, Inc.); PubMed 7695699 (cited by Labcorp Genetics (formerly Invitae), Labcorp); PubMed 8218237 (cited by Labcorp Genetics (formerly Invitae), Labcorp); PubMed 19344236 (cited by Labcorp Genetics (formerly Invitae), Labcorp); PubMed 9016532 (cited by Labcorp Genetics (formerly Invitae), Labcorp); PubMed 17078022 (cited by Labcorp Genetics (formerly Invitae), Labcorp).